The following is an entry in ClinVar:

NM_016363.5(GP6):c.*577C>T

Gene: GP6 (glycoprotein VI platelet; minus strand). Cytogenetic location: 19q13.42.
Variant type: single nucleotide variant.
Coding change: c.*577C>T on transcript NM_016363.5 (MANE Select); 577 bases downstream of the stop codon, C replaced by T.
Molecular consequence: 3 prime UTR variant. On other transcripts: missense variant (1).
Genome position (GRCh38, 1-based): chr19:55,014,344, G>A on the plus strand (C>T on the coding strand, the complement: GP6 is on the minus strand). VCF-style: chr19-55014344-G-A. GRCh37 (hg19) VCF-style: chr19-55525712-G-A.
Other names: c.1601C>T, p.Thr534Ile (NM_001083899.2); c.*577C>T (NM_001256017.2); short protein forms T534I.
Identifiers: ClinVar variation 2187666 (VCV002187666.4), dbSNP rs1346745256, ClinGen allele CA407472026.

ClinVar aggregate classification (germline): Uncertain significance (1 of 4 stars; one submission).

Allele frequency attached by ClinVar (database versions not stated): gnomAD exomes 0.00001.
gnomAD v4.1: 15 of 1,608,766 alleles (0.00093%); highest among the groups gnomAD compares: East Asian, 0.0089%; no homozygotes.

Submission:

Labcorp Genetics (formerly Invitae), Labcorp
Classification: Uncertain significance. Last evaluated: 2022-03-04. Review status: criteria provided, single submitter. Criteria: Invitae Variant Classification Sherloc (09022015). Collection method: clinical testing. Allele origin: germline.
Comment: This variant is present in population databases (no rsID available, gnomAD 0.0009%). This variant has not been reported in the literature in individuals affected with GP6-related conditions. Algorithms developed to predict the effect of missense changes on protein structure and function output the following: SIFT: "Deleterious"; PolyPhen-2: "Probably Damaging"; Align-GVGD: "Class C0". The isoleucine amino acid residue is found in multiple mammalian species, which suggests that this missense change does not adversely affect protein function. In summary, the available evidence is currently insufficient to determine the role of this variant in disease. Therefore, it has been classified as a Variant of Uncertain Significance. This sequence change replaces threonine, which is neutral and polar, with isoleucine, which is neutral and non-polar, at codon 534 of the GP6 protein (p.Thr534Ile).